The following is an entry in ClinVar:

ClinVar aggregate classification (germline): Likely benign (0 of 4 stars; one submission).

Conditions:
MYBPC2-related disorder. Also called: MYBPC2-related condition.

Allele frequency attached by ClinVar (database versions not stated): 1000 Genomes Project 30x 0.00047; 1000 Genomes Project 0.00060; ESP Exome Variant Server 0.00230.
gnomAD v4.1: 4,108 of 1,612,916 alleles (0.25%); highest among the groups gnomAD compares: Non-Finnish European, 0.32%; 7 homozygotes.

Submission:

PreventionGenetics, part of Exact Sciences
Classification: Likely benign for MYBPC2-related condition. Last evaluated: 2022-08-09. Review status: no assertion criteria provided. Collection method: clinical testing. Allele origin: germline.
Comment: This variant is classified as likely benign based on ACMG/AMP sequence variant interpretation guidelines (Richards et al. 2015 PMID: 25741868, with internal and published modifications).

NM_004533.4(MYBPC2):c.1291G>A (p.Glu431Lys)

Gene: MYBPC2 (myosin binding protein C2; plus strand). Cytogenetic location: 19q13.33.
Variant type: single nucleotide variant.
Coding change: c.1291G>A on transcript NM_004533.4 (MANE Select); coding-DNA position 1291, G replaced by A.
Protein change: p.Glu431Lys; replaces glutamic acid 431 with lysine.
Molecular consequence: missense variant.
Genome position (GRCh38, 1-based): chr19:50,446,037, G>A. VCF-style: chr19-50446037-G-A. GRCh37 (hg19) VCF-style: chr19-50949294-G-A.
Other names: short protein forms E431K.
Identifiers: ClinVar variation 3044282 (VCV003044282.2), dbSNP rs77280515, ClinGen allele CA9597634.
Genomic context (GRCh38, chr19:50,446,037, plus strand): 5'-GTGGTCCAGGAGGACAGGGGTCGCTATCAGGTCATAACCAATGGCGGCCAGTGTGAGGCC[G>A]AGCTGATTGTGGAAGGTATGGGGCCTCCAGGTAGGGCACGGGCTGCACTGCGCATGCTTC-3'
Protein context (NP_004524.3, residues 421-441): VITNGGQCEA[Glu431Lys]LIVEEKQLEV